The following is an entry in ClinVar:

NM_000059.4(BRCA2):c.3521G>T (p.Gly1174Val)

Gene: BRCA2 (BRCA2 DNA repair associated; plus strand). Cytogenetic location: 13q13.1.
Variant type: single nucleotide variant.
Coding change: c.3521G>T on transcript NM_000059.4 (MANE Select); coding-DNA position 3521, G replaced by T.
Protein change: p.Gly1174Val; replaces glycine 1174 with valine.
Molecular consequence: missense variant.
Genome position (GRCh38, 1-based): chr13:32,337,876, G>T. VCF-style: chr13-32337876-G-T. GRCh37 (hg19) VCF-style: chr13-32912013-G-T.
Other names: short protein forms G1174V.
Identifiers: ClinVar variation 854811 (VCV000854811.13), dbSNP rs1555283272, ClinGen allele CA387777054.

ClinVar aggregate classification (germline): Conflicting classifications of pathogenicity. Review status: criteria provided, conflicting classifications (1 of 4 stars). 5 submissions from 5 submitters: Uncertain significance (3); Likely benign (2). Last evaluated 2025-12-15.

Conditions:
Hereditary breast ovarian cancer syndrome. Also called: Hereditary breast and ovarian cancer syndrome; BRCA1- and BRCA2-Associated Hereditary Breast and Ovarian Cancer; Hereditary breast and/or ovarian cancer syndrome; Hereditary breast and ovarian cancer; Hereditary breast and ovarian cancer syndrome (HBOC); Breast and ovarian cancer. Identifiers: Orphanet 145, MedGen C0677776, MeSH D061325, MONDO:0003582. Disease mechanism: loss of function.
Hereditary cancer-predisposing syndrome. Also called: Neoplastic Syndromes, Hereditary; Hereditary Cancer Syndrome; Tumor predisposition; Hereditary neoplastic syndrome. Identifiers: Orphanet 140162, MedGen C0027672, MeSH D009386, MONDO:0015356.

Submissions (5):

Labcorp Genetics (formerly Invitae), Labcorp
Classification: Uncertain significance for Hereditary breast ovarian cancer syndrome. Last evaluated: 2025-12-15. Review status: criteria provided, single submitter. Criteria: Invitae Variant Classification Sherloc (09022015). Collection method: clinical testing. Allele origin: germline.
Comment: This sequence change replaces glycine, which is neutral and non-polar, with valine, which is neutral and non-polar, at codon 1174 of the BRCA2 protein (p.Gly1174Val). This variant is not present in population databases (gnomAD no frequency). This missense change has been observed in individual(s) with ovarian cancer (PMID: 32211327). ClinVar contains an entry for this variant (Variation ID: 854811). Invitae Evidence Modeling of protein sequence and biophysical properties (such as structural, functional, and spatial information, amino acid conservation, physicochemical variation, residue mobility, and thermodynamic stability) indicates that this missense variant is not expected to disrupt BRCA2 protein function with a negative predictive value of 95%. In summary, the available evidence is currently insufficient to determine the role of this variant in disease. Therefore, it has been classified as a Variant of Uncertain Significance.

Color Diagnostics, LLC DBA Color Health
Classification: Uncertain significance for Hereditary cancer-predisposing syndrome. Last evaluated: 2025-03-04. Review status: criteria provided, single submitter. Criteria: ACMG Guidelines, 2015. Collection method: clinical testing. Allele origin: germline.
Comment: This missense variant replaces glycine with valine at codon 1174 of the BRCA2 protein. Computational prediction suggests that this variant may not impact protein structure and function. To our knowledge, functional studies have not been reported for this variant. This variant has been reported in an individual affected with ovarian cancer (PMID: 32211327). This variant has not been identified in the general population by the Genome Aggregation Database (gnomAD). The available evidence is insufficient to determine the role of this variant in disease conclusively. Therefore, this variant is classified as a Variant of Uncertain Significance.

Molecular Diagnostics Laboratory, Catalan Institute of Oncology
Classification: Likely benign for Hereditary cancer-predisposing syndrome. Last evaluated: 2024-10-02. Review status: criteria provided, single submitter. Criteria: ClinGen BRCA1BRCA2 ACMG Specifications BRCA2 V1.0.0. Collection method: clinical testing. Allele origin: germline.
Comment: PM2_Supporting, BP1_Strong c.3521G>T, located in exon 11 of the BRCA2 gene, is predicted to result in the substitution of Glycine by Valine at codon 1174, p.(Gly1174Val). This position is outside a (potentially) clinically important functional domain and, moreover, the SpliceAI algorithm predicts no significant impact on splicing (BP1_strong).It is not present in the population database gnomAD v2.1.1, non cancer dataset (PM2_supporting). To our knowledge, neither relevant clinical data nor well-stablished functional studies have been reported for this variant. In addition, the variant has been identified in the ClinVar database (1x likely benign, 2x uncertain significance), and BRCA Exchange database, (where it has not been reviewed yet), but it is not present in the LOVD database. At present ClinVar does not describe pathogenic or likely pathogenic missense variants with same amino acid change in this codon. Based on currently available information, the variant c.3521G>T should be considered likely benign variant according to ClinGen-BRCAs Guidelines version 1.0.0.

University of Washington Department of Laboratory Medicine, University of Washington
Classification: Likely benign for Hereditary cancer-predisposing syndrome. Last evaluated: 2023-03-23. Review status: criteria provided, single submitter. Criteria: Dines et al. (Genet Med. 2020). Collection method: curation. Allele origin: germline.
Comment: Missense variant in a coldspot region where missense variants are very unlikely to be pathogenic (PMID:31911673).

BRCA2 exon 11 coldspot. Reclassification based on statistical prior probability.

Ambry Genetics
Classification: Uncertain significance for Hereditary cancer-predisposing syndrome. Last evaluated: 2022-02-03. Review status: criteria provided, single submitter. Criteria: Ambry Variant Classification Scheme 2023. Collection method: clinical testing. Allele origin: germline.
Comment: The p.G1174V variant (also known as c.3521G>T), located in coding exon 10 of the BRCA2 gene, results from a G to T substitution at nucleotide position 3521. The glycine at codon 1174 is replaced by valine, an amino acid with dissimilar properties. This amino acid position is poorly conserved in available vertebrate species. In addition, this alteration is predicted to be tolerated by in silico analysis. Since supporting evidence is limited at this time, the clinical significance of this alteration remains unclear.

Literature cited by the submitters: PubMed 32211327 (cited by Labcorp Genetics (formerly Invitae), Labcorp and Color Diagnostics, LLC DBA Color Health).